The following is an entry in ClinVar:

ClinVar aggregate classification (germline): Uncertain significance (1 of 4 stars; one submission).

Submission:

GeneDx
Classification: Uncertain significance. Last evaluated: 2024-04-29. Review status: criteria provided, single submitter. Criteria: GeneDx Variant Classification Process June 2021. Collection method: clinical testing. Allele origin: germline. Affected: yes.
Comment: Not observed at significant frequency in large population cohorts (gnomAD); In silico analysis supports that this missense variant has a deleterious effect on protein structure/function; Has not been previously published as pathogenic or benign to our knowledge

NM_001081550.2(THOC2):c.4274A>T (p.Lys1425Met)

Gene: THOC2 (THO complex subunit 2; minus strand). Cytogenetic location: Xq25.
Variant type: single nucleotide variant.
Coding change: c.4274A>T on transcript NM_001081550.2 (MANE Select); coding-DNA position 4274, A replaced by T.
Protein change: p.Lys1425Met; replaces lysine 1425 with methionine.
Molecular consequence: missense variant.
Genome position (GRCh38, 1-based): chrX:123,620,908, T>A on the plus strand (A>T on the coding strand, the complement: THOC2 is on the minus strand). VCF-style: chrX-123620908-T-A. GRCh37 (hg19) VCF-style: chrX-122754759-T-A.
Other names: short protein forms K1425M.
Identifiers: ClinVar variation 3372942 (VCV003372942.1).
Genomic context (GRCh38, chrX:123,620,908, plus strand): 5'-ACTGGTATTCCAAACAGGTGAGCCTAACATGGACGCTGCCTTCCTCAGGCTATACTAACC[T>A]TTACTGTGGAGGAATGTGATGGAGAAGGGTGAGTATCAATTTTGCGGCGTTTTTGTTCTG-3'
Protein context (NP_001075019.1, residues 1415-1435): HPSPSHSSTV[Lys1425Met]DSLIELKESS